The following is an entry in ClinVar:

ClinVar aggregate classification (germline): Uncertain significance. Review status: criteria provided, multiple submitters, no conflicts (2 of 4 stars). 6 submissions from 5 submitters: Uncertain significance (6). Last evaluated 2025-11-18.

Conditions:
Cardiovascular phenotype. Identifiers: MedGen CN230736.
Catecholaminergic polymorphic ventricular tachycardia 1. Also called: VENTRICULAR TACHYCARDIA, CATECHOLAMINERGIC POLYMORPHIC, 1, WITH OR WITHOUT ATRIAL DYSFUNCTION AND/OR DILATED CARDIOMYOPATHY; VENTRICULAR TACHYCARDIA, STRESS-INDUCED POLYMORPHIC 1; RYR2-Related Catecholaminergic Polymorphic Ventricular Tachycardia. Identifiers: Orphanet 3286, MedGen C1631597, MONDO:0011484, OMIM 604772.
Arrhythmogenic right ventricular dysplasia 2. Identifiers: MedGen C1832931.
Cardiomyopathy (CMYO). Also called: Cardiomyopathies. Identifiers: Orphanet 167848, MedGen C0878544, MONDO:0004994, HP:0001638. Inheritance: Various modes of inheritance.

Allele frequency attached by ClinVar (database versions not stated): gnomAD exomes 0.00001; ExAC 0.00003.

Submissions (6):

Labcorp Genetics (formerly Invitae), Labcorp
Classification: Uncertain significance for Catecholaminergic polymorphic ventricular tachycardia 1. Last evaluated: 2025-11-18. Review status: criteria provided, single submitter. Criteria: Invitae Variant Classification Sherloc (09022015). Collection method: clinical testing. Allele origin: germline.
Comment: This sequence change replaces glycine, which is neutral and non-polar, with aspartic acid, which is acidic and polar, at codon 3113 of the RYR2 protein (p.Gly3113Asp). The frequency data for this variant in the population databases is considered unreliable, as metrics indicate poor data quality at this position in the gnomAD database. This variant has not been reported in the literature in individuals affected with RYR2-related conditions. ClinVar contains an entry for this variant (Variation ID: 296739). Invitae Evidence Modeling of protein sequence and biophysical properties (such as structural, functional, and spatial information, amino acid conservation, physicochemical variation, residue mobility, and thermodynamic stability) indicates that this missense variant is not expected to disrupt RYR2 protein function with a negative predictive value of 95%. In summary, the available evidence is currently insufficient to determine the role of this variant in disease. Therefore, it has been classified as a Variant of Uncertain Significance.

GeneDx
Classification: Uncertain significance. Last evaluated: 2025-08-08. Review status: criteria provided, single submitter. Criteria: GeneDx Variant Classification Process June 2021. Collection method: clinical testing. Allele origin: germline. Affected: yes.
Comment: Not observed at significant frequency in large population cohorts (gnomAD); In silico analysis supports that this missense variant has a deleterious effect on protein structure/function; Has not been previously published as pathogenic or benign to our knowledge; Not located in one of the three hot-spot regions of the RYR2 gene, where the majority of pathogenic missense variants occur (PMID: 19926015); This variant is associated with the following publications: (PMID: 19926015)

Color Diagnostics, LLC DBA Color Health
Classification: Uncertain significance for Cardiomyopathy. Last evaluated: 2019-02-21. Review status: criteria provided, single submitter. Criteria: ACMG Guidelines, 2015. Collection method: clinical testing. Allele origin: germline.
Comment: Variant of Uncertain Significance due to insufficient evidence: This missense variant replaces glycine with aspartic acid at codon 3113 of the RYR2 protein. Computational prediction tools and conservation analyses are inconclusive regarding the impact of this variant on the protein function. Computational splicing tools suggest that this variant may not impact RNA splicing. To our knowledge, functional assays have not been performed for this variant nor has this variant been reported in individuals affected with cardiovascular disorders in the literature. This variant is rare in the general population and has been identified in 0/277264 chromosomes by the Genome Aggregation Database (gnomAD). Available evidence is insufficient to determine the role of this variant in disease conclusively.

Illumina Laboratory Services, Illumina
Classification: Uncertain significance for Catecholaminergic polymorphic ventricular tachycardia 1. Last evaluated: 2018-01-12. Review status: criteria provided, single submitter. Criteria: ICSL Variant Classification Criteria 13 December 2019. Collection method: clinical testing. Allele origin: germline.

Illumina Laboratory Services, Illumina
Classification: Uncertain significance for Catecholaminergic polymorphic ventricular tachycardia 1. Last evaluated: 2018-01-12. Review status: criteria provided, single submitter. Criteria: ICSL Variant Classification Criteria 13 December 2019. Collection method: clinical testing. Allele origin: germline.

Ambry Genetics
Classification: Uncertain significance for Cardiovascular phenotype. Last evaluated: 2017-02-03. Review status: criteria provided, single submitter. Criteria: Ambry Variant Classification Scheme 2023. Collection method: clinical testing. Allele origin: germline.
Comment: The p.G3113D variant (also known as c.9338G>A), located in coding exon 65 of the RYR2 gene, results from a G to A substitution at nucleotide position 9338. The glycine at codon 3113 is replaced by aspartic acid, an amino acid with similar properties. This amino acid position is well conserved in available vertebrate species. In addition, the in silico prediction for this alteration is inconclusive. Since supporting evidence is limited at this time, the clinical significance of this alteration remains unclear.

NM_001035.3(RYR2):c.9338G>A (p.Gly3113Asp)

Gene: RYR2 (ryanodine receptor 2; plus strand). Cytogenetic location: 1q43.
Variant type: single nucleotide variant.
Coding change: c.9338G>A on transcript NM_001035.3 (MANE Select); coding-DNA position 9338, G replaced by A.
Protein change: p.Gly3113Asp; replaces glycine 3113 with aspartic acid.
Molecular consequence: missense variant.
Genome position (GRCh38, 1-based): chr1:237,700,438, G>A. VCF-style: chr1-237700438-G-A. GRCh37 (hg19) VCF-style: chr1-237863738-G-A.
Other names: c.9338G>A, p.Gly3113Asp (LRG_402t1); short protein forms G3113D.
Identifiers: ClinVar variation 296739 (VCV000296739.13), dbSNP rs770278770, ClinGen allele CA087861.